The following is an entry in ClinVar:

NM_145059.3(FCSK):c.2171C>T (p.Thr724Met)

Gene: FCSK (fucose kinase; plus strand). Cytogenetic location: 16q22.1.
Variant type: single nucleotide variant.
Coding change: c.2171C>T on transcript NM_145059.3 (MANE Select); coding-DNA position 2171, C replaced by T.
Protein change: p.Thr724Met; replaces threonine 724 with methionine.
Molecular consequence: missense variant.
Genome position (GRCh38, 1-based): chr16:70,474,805, C>T. VCF-style: chr16-70474805-C-T. GRCh37 (hg19) VCF-style: chr16-70508708-C-T.
Other names: c.2171C>T (NM_145059.2); short protein forms T724M.
Identifiers: ClinVar variation 1980525 (VCV001980525.5), dbSNP rs371830988, ClinGen allele CA8143518.
Genomic context (GRCh38, chr16:70,474,805, plus strand): 5'-CTGGCAGCTTCTGTGACCAGCTTGAGTCTTGCCACACTGCCATAGGGGGCTGGAGTGACA[C>T]GCCACCCCTTGCCTATGAGCTTGGCGGGGCTGTGCTGGGCCTGGCTGTGCGAGTGGACGG-3'
Protein context (NP_659496.2, residues 714-734): RVDFSGGWSD[Thr724Met]PPLAYELGGA

ClinVar aggregate classification (germline): Uncertain significance. Review status: criteria provided, multiple submitters, no conflicts (2 of 4 stars). 2 submissions from 2 submitters: Uncertain significance (2). Last evaluated 2024-04-15.

Allele frequency attached by ClinVar (database versions not stated): gnomAD exomes 0.00003; ExAC 0.00006; TOPMed 0.00008; gnomAD 0.00009; ESP Exome Variant Server 0.00016.
gnomAD v4.1: 56 of 1,578,794 alleles (0.0035%); highest among the groups gnomAD compares: African/African-American, 0.015%; no homozygotes.

Submissions (2):

Labcorp Genetics (formerly Invitae), Labcorp
Classification: Uncertain significance. Last evaluated: 2024-04-15. Review status: criteria provided, single submitter. Criteria: Invitae Variant Classification Sherloc (09022015). Collection method: clinical testing. Allele origin: germline.
Comment: This sequence change replaces threonine, which is neutral and polar, with methionine, which is neutral and non-polar, at codon 724 of the FUK protein (p.Thr724Met). The frequency data for this variant in the population databases is considered unreliable, as metrics indicate poor data quality at this position in the gnomAD database. This variant has not been reported in the literature in individuals affected with FUK-related conditions. ClinVar contains an entry for this variant (Variation ID: 1980525). An algorithm developed to predict the effect of missense changes on protein structure and function (PolyPhen-2) suggests that this variant is likely to be disruptive. In summary, the available evidence is currently insufficient to determine the role of this variant in disease. Therefore, it has been classified as a Variant of Uncertain Significance.

Ambry Genetics
Classification: Uncertain significance. Last evaluated: 2024-02-26. Review status: criteria provided, single submitter. Criteria: Ambry Variant Classification Scheme 2023. Collection method: clinical testing. Allele origin: germline.